The following is an entry in ClinVar:

NM_001322934.2(NFKB2):c.529G>C (p.Glu177Gln)

Gene: NFKB2 (nuclear factor kappa B subunit 2; plus strand). Cytogenetic location: 10q24.32.
Variant type: single nucleotide variant.
Coding change: c.529G>C on transcript NM_001322934.2 (MANE Select); coding-DNA position 529, G replaced by C.
Protein change: p.Glu177Gln; replaces glutamic acid 177 with glutamine.
Molecular consequence: missense variant.
Genome position (GRCh38, 1-based): chr10:102,397,553, G>C. VCF-style: chr10-102397553-G-C. GRCh37 (hg19) VCF-style: chr10-104157310-G-C.
Other names: c.529G>C, p.Glu177Gln (NM_001077494.3, NM_001261403.3, NM_001288724.1 and 2 more transcripts); short protein forms E177Q.
Identifiers: ClinVar variation 3765600 (VCV003765600.1).

ClinVar aggregate classification (germline): Uncertain significance (1 of 4 stars; one submission).

Submission:

Greenwood Genetic Center Diagnostic Laboratories, Greenwood Genetic Center
Classification: Uncertain significance. Last evaluated: 2024-08-19. Review status: criteria provided, single submitter. Criteria: ACMG Guidelines, 2015. Collection method: clinical testing. Allele origin: germline. Affected: yes.
Comment: PM2, BP4, PP2